The following is an entry in ClinVar:

NM_000435.3(NOTCH3):c.3170C>T (p.Ala1057Val)

Gene: NOTCH3 (notch receptor 3; minus strand). Cytogenetic location: 19p13.12.
Variant type: single nucleotide variant.
Coding change: c.3170C>T on transcript NM_000435.3 (MANE Select); coding-DNA position 3170, C replaced by T.
Protein change: p.Ala1057Val; replaces alanine 1057 with valine.
Molecular consequence: missense variant.
Genome position (GRCh38, 1-based): chr19:15,180,229, G>A on the plus strand (C>T on the coding strand, the complement: NOTCH3 is on the minus strand). VCF-style: chr19-15180229-G-A. GRCh37 (hg19) VCF-style: chr19-15291040-G-A.
Other names: short protein forms A1057V.
Identifiers: ClinVar variation 447829 (VCV000447829.17), dbSNP rs368146879, ClinGen allele CA9263163.
Genomic context (GRCh38, chr19:15,180,229, plus strand): 5'-GTACGGCCCTCTGGGCACACGCAGTAGTGGGAGCTGTCTTCATCCACACACTGCCCACCC[G>A]CCTGACACAGCTGCTCCAGCCGCACCCCTGCAAAGAGGAGAGTGGCACAGGAACAGAGGT-3'
Protein context (NP_000426.2, residues 1047-1067): IGVRLEQLCQ[Ala1057Val]GGQCVDEDSS

ClinVar aggregate classification (germline): Conflicting classifications of pathogenicity. Review status: criteria provided, conflicting classifications (1 of 4 stars). 7 submissions from 7 submitters: Uncertain significance (3); Benign (1); Likely benign (3). Last evaluated 2025-11-14.

Allele frequency attached by ClinVar (database versions not stated): gnomAD exomes 0.00011 and 0.00013; ExAC 0.00015; ESP Exome Variant Server 0.00015; 1000 Genomes Project 30x 0.00016; 1000 Genomes Project 0.00020; gnomAD 0.00025 and 0.00026; TOPMed 0.00025.
gnomAD v4.1: 191 of 1,613,580 alleles (0.012%); highest among the groups gnomAD compares: South Asian, 0.08%; 1 homozygote.

Submissions (7):

Women's Health and Genetics/Laboratory Corporation of America, LabCorp
Classification: Uncertain significance. Last evaluated: 2025-11-14. Review status: criteria provided, single submitter. Criteria: LabCorp Variant Classification Summary - May 2015. Collection method: clinical testing. Allele origin: germline.
Comment: Variant summary: NOTCH3 c.3170C>T (p.Ala1057Val) results in a non-conservative amino acid change in the encoded protein sequence. Algorithms developed to predict the effect of missense changes on protein structure and function are either unavailable or do not agree on the potential impact of this missense change. The variant allele was found at a frequency of 0.00013 in 249958 control chromosomes in the gnomAD database, including 1 homozygote. This frequency is not significantly higher than estimated for disease-causing variants in NOTCH3, allowing no conclusion about variant significance. To our knowledge, no occurrence of c.3170C>T in individuals affected with NOTCH3-related conditions and no experimental evidence demonstrating its impact on protein function have been reported. ClinVar contains an entry for this variant (Variation ID: 447829). Based on the evidence outlined above, the variant was classified as uncertain significance.

Athena Diagnostics
Classification: Benign. Last evaluated: 2025-09-08. Review status: criteria provided, single submitter. Criteria: Athena Diagnostics Criteria. Collection method: clinical testing. Allele origin: unknown.
Comment: The frequency of this variant in the general population is higher than would generally be expected for pathogenic variants in this gene. Computational tools predict this amino acid change may be benign. This variant has been seen where an alternate explanation for disease was also identified.

Labcorp Genetics (formerly Invitae), Labcorp
Classification: Likely benign. Last evaluated: 2025-07-07. Review status: criteria provided, single submitter. Criteria: Invitae Variant Classification Sherloc (09022015). Collection method: clinical testing. Allele origin: germline.

ARUP Laboratories, Molecular Genetics and Genomics, ARUP Laboratories
Classification: Uncertain significance. Last evaluated: 2024-01-26. Review status: criteria provided, single submitter. Criteria: ARUP Molecular Germline Variant Investigation Process 2024. Collection method: clinical testing. Allele origin: germline.
Comment: The NOTCH3 c.3170C>T; p.Ala1057Val variant (rs368146879), to our knowledge, is not reported in the medical literature but is reported in ClinVar (Variation ID: 447829). This variant is found in the South Asian population with an allele frequency of 0.065% (20/30,604 alleles, including one homozygote) in the Genome Aggregation Database (v2.1.1). Computational analyses predict that this variant is neutral (REVEL: 0.141). Most pathogenic NOTCH3 variants occur in exons 2-24 and either create or destroy a cysteine residue within an EGF-like domain (Rutten 2014). However, there are several amino acid substitutions not involving cysteine that may be disease-associated (Muino 2017). Although the p.Ala1057Val variant does not involve a cysteine residue, due to its low population frequency its clinical significance is uncertain. References: Muino E et al. Systematic Review of Cysteine-Sparing NOTCH3 Missense Mutations in Patients with Clinical Suspicion of CADASIL. Int J Mol Sci. 2017 Sep 13;18(9). pii: E1964. PMID: 28902129. Rutten JW et al. Interpretation of NOTCH3 mutations in the diagnosis of CADASIL. Expert Rev Mol Diagn. 2014 Jun;14(5):593-603. PMID: 24844136.

Blueprint Genetics
Classification: Likely benign. Last evaluated: 2023-03-21. Review status: criteria provided, single submitter. Criteria: ACMG Guidelines, 2015. Collection method: clinical testing. Allele origin: germline.

Revvity Omics, Revvity
Classification: Uncertain significance. Last evaluated: 2020-12-12. Review status: criteria provided, single submitter. Criteria: ACMG Guidelines, 2015. Collection method: clinical testing. Allele origin: germline.

Breakthrough Genomics
Classification: Likely benign. Review status: criteria provided, single submitter. Criteria: ACMG Guidelines, 2015. Collection method: not provided. Allele origin: germline. Inheritance: Autosomal dominant inheritance. Affected: yes.